The following is an entry in ClinVar:

NM_004586.3(RPS6KA3):c.1858A>G (p.Asn620Asp)

Gene: RPS6KA3 (ribosomal protein S6 kinase A3; minus strand). Cytogenetic location: Xp22.12.
Variant type: single nucleotide variant.
Coding change: c.1858A>G on transcript NM_004586.3 (MANE Select); coding-DNA position 1858, A replaced by G.
Protein change: p.Asn620Asp; replaces asparagine 620 with aspartic acid.
Molecular consequence: missense variant.
Genome position (GRCh38, 1-based): chrX:20,161,745, T>C on the plus strand (A>G on the coding strand, the complement: RPS6KA3 is on the minus strand). VCF-style: chrX-20161745-T-C. GRCh37 (hg19) VCF-style: chrX-20179863-T-C.
Other names: short protein forms N620D.
Identifiers: ClinVar variation 1511435 (VCV001511435.9), dbSNP rs2148635858, ClinGen allele CA412513653.
Genomic context (GRCh38, chrX:20,161,745, plus strand): 5'-GTGAGAATTTTCCGCTACCTATTCGTGCCAATATTTCCTCTGGTGTATCATCAGGACCAT[T>C]TGCAAATGGAGTGTAACTAATTTATAATAAAATTAAAATATTAATGAATAAAATTTATTA-3'
Protein context (NP_004577.1, residues 610-630): TMLTGYTPFA[Asn620Asp]GPDDTPEEIL

ClinVar aggregate classification (germline): Uncertain significance. Review status: criteria provided, multiple submitters, no conflicts (2 of 4 stars). 2 submissions from 2 submitters: Uncertain significance (2). Last evaluated 2024-11-12.

Conditions:
Intellectual developmental disorder, X-linked 19. Also called: Intellectual disability, X-linked 19. Identifiers: Orphanet 777, MedGen C0796225, MONDO:0010447, OMIM 300844.
Coffin-Lowry syndrome (CLS). Also called: COFFIN-LOWRY SYNDROME, MILD; Mental retardation with osteocartilaginous abnormalities. Identifiers: Orphanet 192, MedGen C0265252, MONDO:0010561, OMIM 303600.

Submissions (2):

Blueprint Genetics
Classification: Uncertain significance. Last evaluated: 2024-11-12. Review status: criteria provided, single submitter. Criteria: ACMG Guidelines, 2015. Collection method: clinical testing. Allele origin: germline.

Labcorp Genetics (formerly Invitae), Labcorp
Classification: Uncertain significance for Coffin-Lowry syndrome; Intellectual developmental disorder, X-linked 19. Last evaluated: 2022-07-05. Review status: criteria provided, single submitter. Criteria: Invitae Variant Classification Sherloc (09022015). Collection method: clinical testing. Allele origin: germline.
Comment: In summary, the available evidence is currently insufficient to determine the role of this variant in disease. Therefore, it has been classified as a Variant of Uncertain Significance. Algorithms developed to predict the effect of sequence changes on RNA splicing suggest that this variant may create or strengthen a splice site. Advanced modeling of protein sequence and biophysical properties (such as structural, functional, and spatial information, amino acid conservation, physicochemical variation, residue mobility, and thermodynamic stability) performed at Invitae indicates that this missense variant is not expected to disrupt RPS6KA3 protein function. ClinVar contains an entry for this variant (Variation ID: 1511435). This missense change has been observed in individuals with clinical features suggestive of Coffin-Lowry syndrome (PMID: 11180593; Invitae). This variant is not present in population databases (gnomAD no frequency). This sequence change replaces asparagine, which is neutral and polar, with aspartic acid, which is acidic and polar, at codon 620 of the RPS6KA3 protein (p.Asn620Asp).

Literature cited by the submitters: PubMed 11180593 (cited by Labcorp Genetics (formerly Invitae), Labcorp).